The following is an entry in ClinVar:

NM_004752.4(GCM2):c.319G>A (p.Asp107Asn)

Gene: GCM2 (GCM transcription factor 2; minus strand). Cytogenetic location: 6p24.2.
Variant type: single nucleotide variant.
Coding change: c.319G>A on transcript NM_004752.4 (MANE Select); coding-DNA position 319, G replaced by A.
Protein change: p.Asp107Asn; replaces aspartic acid 107 with asparagine.
Molecular consequence: missense variant.
Genome position (GRCh38, 1-based): chr6:10,877,164, C>T on the plus strand (G>A on the coding strand, the complement: GCM2 is on the minus strand). VCF-style: chr6-10877164-C-T. GRCh37 (hg19) VCF-style: chr6-10877397-C-T.
Other names: short protein forms D107N.
Identifiers: ClinVar variation 907881 (VCV000907881.12), dbSNP rs61741855, ClinGen allele CA3634115.
Genomic context (GRCh38, chr6:10,877,164, plus strand): 5'-TCCAAGGTCACCCTCTCCCTGGCCCCATGTCCTCACTCTGCTGTTTCAGCCGTGCCTTGT[C>T]GCAGATGGCCGGCCTCAGCTGCAGGCGGGAACCGTCGGGCAGGGTGCAGGCCTGTGTACA-3'
Protein context (NP_004743.1, residues 97-117): SRLQLRPAIC[Asp107Asn]KARLKQQKKA

ClinVar aggregate classification (germline): Uncertain significance. Review status: criteria provided, multiple submitters, no conflicts (2 of 4 stars). 6 submissions from 6 submitters: Uncertain significance (5). 1 of the submissions does not count toward it. Last evaluated 2026-07-02.

Conditions:
GCM2-related disorder. Also called: GCM2-related condition.
Hypoparathyroidism, familial isolated, 2. Identifiers: MedGen C5394383, MONDO:0020798, OMIM 618883.
Hyperparathyroidism 4 (HRPT4). Identifiers: MedGen C4479229, MONDO:0024570, OMIM 617343.
Familial hypoparathyroidism. Also called: Familial isolated hypoparathyroidism. Identifiers: Orphanet 2238, MedGen C1832648, MONDO:0016390.
Familial hyperparathyroidism or Hypocalciuric hypercalcaemia.

Allele frequency attached by ClinVar (database versions not stated): 1000 Genomes Project 0.00040; gnomAD 0.00043 and 0.00044; TOPMed 0.00044; 1000 Genomes Project 30x 0.00047; ExAC 0.00056; ESP Exome Variant Server 0.00100.

Submissions (6):

Cambridge Genomics Laboratory, East Genomic Laboratory Hub, NHS Genomic Medicine Service
Classification: Uncertain significance for Familial hyperparathyroidism or Hypocalciuric hypercalcaemia. Last evaluated: 2026-07-02. Review status: criteria provided, single submitter. Criteria: ACGS Best Practice Guidelines for Variant Classification in Rare Disease 2020. Collection method: clinical testing. Allele origin: germline. Affected: yes.
Comment: PP2,PP3

PreventionGenetics, part of Exact Sciences
Classification: Uncertain significance for GCM2-related condition. Last evaluated: 2026-05-05. Review status: criteria provided, single submitter. Criteria: ACMG Guidelines, 2015. Collection method: clinical testing. Allele origin: germline.
Comment: The GCM2 c.319G>A variant is predicted to result in the amino acid substitution p.Asp107Asn. This variant was reported as a variant of uncertain significance in an individual with hyperparathyroidism (Coppin et al 2020. PubMed ID: 31671402). This variant is reported in 0.10% of alleles in individuals of South Asian descent in gnomAD, which is likely too high for an autosomal dominant variant. Although we suspect that this variant may be benign, at this time, the clinical significance of this variant is uncertain due to the absence of conclusive functional and genetic evidence.

Labcorp Genetics (formerly Invitae), Labcorp
Classification: Uncertain significance. Last evaluated: 2024-07-08. Review status: criteria provided, single submitter. Criteria: Invitae Variant Classification Sherloc (09022015). Collection method: clinical testing. Allele origin: germline.
Comment: This sequence change replaces aspartic acid, which is acidic and polar, with asparagine, which is neutral and polar, at codon 107 of the GCM2 protein (p.Asp107Asn). This variant is present in population databases (rs61741855, gnomAD 0.1%), and has an allele count higher than expected for a pathogenic variant. This missense change has been observed in individual(s) with primary hyperparathyroidism (PMID: 31671402). ClinVar contains an entry for this variant (Variation ID: 907881). Advanced modeling of protein sequence and biophysical properties (such as structural, functional, and spatial information, amino acid conservation, physicochemical variation, residue mobility, and thermodynamic stability) performed at Invitae indicates that this missense variant is expected to disrupt GCM2 protein function with a positive predictive value of 80%. In summary, the available evidence is currently insufficient to determine the role of this variant in disease. Therefore, it has been classified as a Variant of Uncertain Significance.

Fulgent Genetics
Classification: Uncertain significance for Hyperparathyroidism 4; Hypoparathyroidism, familial isolated, 2. Last evaluated: 2024-03-04. Review status: criteria provided, single submitter. Criteria: ACMG Guidelines, 2015. Collection method: clinical testing. Allele origin: germline.

Illumina Laboratory Services, Illumina
Classification: Uncertain significance for Hypoparathyroidism, familial isolated 1. Last evaluated: 2017-04-28. Review status: criteria provided, single submitter. Criteria: ICSL Variant Classification Criteria 13 December 2019. Collection method: clinical testing. Allele origin: germline.
Comment: This variant was observed as part of a predisposition screen in an ostensibly healthy population. A literature search was performed for the gene, cDNA change, and amino acid change (where applicable). Publications were found based on this search. However, the evidence from the literature, in combination with allele frequency data from public databases where available, was not sufficient to rule this variant in or out of causing disease. Therefore, this variant is classified as a variant of unknown significance.

Department of Pathology and Laboratory Medicine, Sinai Health System
Classification: Uncertain significance. Review status: no assertion criteria provided. Collection method: clinical testing. Allele origin: unknown. Affected: yes. Study: The Canadian Open Genetics Repository (COGR). Not counted in ClinVar's aggregate classification.
Comment: The GCM2 p.Asp107Asn variant was not identified in the literature nor was it identified in ClinVar. The variant was identified in dbSNP (ID: rs61741855), Cosmic (FATHMM predicted pathogenic; score=1.00) and LOVD 3.0. The variant was also identified in control databases in 150 of 280948 chromosomes at a frequency of 0.000534 increasing the likelihood this could be a low frequency benign variant (Genome Aggregation Database Feb 27, 2017). The variant was observed in the following populations: South Asian in 32 of 30616 chromosomes (freq: 0.001045), European (non-Finnish) in 100 of 127922 chromosomes (freq: 0.000782), Other in 4 of 7214 chromosomes (freq: 0.000555), Latino in 13 of 35436 chromosomes (freq: 0.000367) and African in 1 of 24948 chromosomes (freq: 0.00004); it was not observed in the Ashkenazi Jewish, East Asian, and European (Finnish) populations. The p.Asp107 residue is conserved in mammals and computational analyses (PolyPhen-2, SIFT, AlignGVGD, BLOSUM, MutationTaster) provide inconsistent predictions regarding the impact to the protein; this information is not very predictive of pathogenicity. The variant occurs outside of the splicing consensus sequence and in silico or computational prediction software programs (SpliceSiteFinder, MaxEntScan, NNSPLICE, GeneSplicer) do not predict a difference in splicing. In summary, based on the above information the clinical significance of this variant cannot be determined with certainty at this time. This variant is classified as a variant of uncertain significance.

Literature cited by the submitters: PubMed 31671402 (cited by Labcorp Genetics (formerly Invitae), Labcorp); PubMed 15728199 (cited by Illumina Laboratory Services, Illumina).